The following is an entry in ClinVar:

NM_000065.5(C6):c.822G>C (p.Gln274His)

Gene: C6 (complement C6; minus strand). Cytogenetic location: 5p13.1.
Variant type: single nucleotide variant.
Coding change: c.822G>C on transcript NM_000065.5 (MANE Select); coding-DNA position 822, G replaced by C.
Protein change: p.Gln274His; replaces glutamine 274 with histidine.
Molecular consequence: missense variant.
Genome position (GRCh38, 1-based): chr5:41,181,464, C>G on the plus strand (G>C on the coding strand, the complement: C6 is on the minus strand). VCF-style: chr5-41181464-C-G. GRCh37 (hg19) VCF-style: chr5-41181566-C-G.
Other names: c.822G>C, p.Gln274His (NM_001115131.4); short protein forms Q274H.
Identifiers: ClinVar variation 3008669 (VCV003008669.3), dbSNP rs150318194, ClinGen allele CA359601910.

ClinVar aggregate classification (germline): Uncertain significance (1 of 4 stars; one submission).

gnomAD v4.1: 4 of 1,613,794 alleles (0.00025%); highest among the groups gnomAD compares: South Asian, 0.0011%; no homozygotes.

Submission:

Labcorp Genetics (formerly Invitae), Labcorp
Classification: Uncertain significance. Last evaluated: 2025-05-19. Review status: criteria provided, single submitter. Criteria: Invitae Variant Classification Sherloc (09022015). Collection method: clinical testing. Allele origin: germline.
Comment: This sequence change replaces glutamine, which is neutral and polar, with histidine, which is basic and polar, at codon 274 of the C6 protein (p.Gln274His). This variant is present in population databases (no rsID available, gnomAD 0.003%). This variant has not been reported in the literature in individuals affected with C6-related conditions. ClinVar contains an entry for this variant (Variation ID: 3008669). An algorithm developed to predict the effect of missense changes on protein structure and function outputs the following: PolyPhen-2: "Benign". The histidine amino acid residue is found in multiple mammalian species, which suggests that this missense change does not adversely affect protein function. In summary, the available evidence is currently insufficient to determine the role of this variant in disease. Therefore, it has been classified as a Variant of Uncertain Significance.